The following is an entry in ClinVar:

NM_013275.6(ANKRD11):c.6860G>C (p.Gly2287Ala)

Gene: ANKRD11 (ankyrin repeat domain 11; minus strand). Cytogenetic location: 16q24.3.
Variant type: single nucleotide variant.
Coding change: c.6860G>C on transcript NM_013275.6 (MANE Select); coding-DNA position 6860, G replaced by C.
Protein change: p.Gly2287Ala; replaces glycine 2287 with alanine.
Molecular consequence: missense variant.
Genome position (GRCh38, 1-based): chr16:89,279,682, C>G on the plus strand (G>C on the coding strand, the complement: ANKRD11 is on the minus strand). VCF-style: chr16-89279682-C-G. GRCh37 (hg19) VCF-style: chr16-89346090-C-G.
Other names: c.6860G>C, p.Gly2287Ala (NM_001256182.2, NM_001256183.2); short protein forms G2287A.
Identifiers: ClinVar variation 1029221 (VCV001029221.4), dbSNP rs2033999753, ClinGen allele CA397149826.

ClinVar aggregate classification (germline): Uncertain significance. Review status: criteria provided, multiple submitters, no conflicts (2 of 4 stars). 3 submissions from 3 submitters: Uncertain significance (3). Last evaluated 2026-05-12.

Conditions:
KBG syndrome (KBGS). Also called: ANKRD11-Related KBG Syndrome. Identifiers: Orphanet 2332, MedGen C0220687, MONDO:0007846, OMIM 148050.

Submissions (3):

Women's Health and Genetics/Laboratory Corporation of America, LabCorp
Classification: Uncertain significance. Last evaluated: 2026-05-12. Review status: criteria provided, single submitter. Criteria: LabCorp Variant Classification Summary - May 2015. Collection method: clinical testing. Allele origin: germline.

GeneDx
Classification: Uncertain significance. Last evaluated: 2023-04-25. Review status: criteria provided, single submitter. Criteria: GeneDx Variant Classification Process June 2021. Collection method: clinical testing. Allele origin: germline. Affected: yes.
Comment: Not observed at significant frequency in large population cohorts (gnomAD); In silico analysis supports that this missense variant does not alter protein structure/function; Has not been previously published as pathogenic or benign to our knowledge

Baylor Genetics
Classification: Uncertain significance for KBG syndrome. Last evaluated: 2020-06-10. Review status: criteria provided, single submitter. Criteria: ACMG Guidelines, 2015. Collection method: clinical testing. Allele origin: unknown. Affected: yes.
Comment: This variant was determined to be of uncertain significance according to ACMG Guidelines, 2015 [PMID:25741868].